The following is an entry in ClinVar:

ClinVar aggregate classification (germline): Likely benign (0 of 4 stars; one submission).

Conditions:
SEMA3C-related disorder. Also called: SEMA3C-related condition.

gnomAD v4.1: 1 of 1,608,934 alleles (0.000062%); highest among the groups gnomAD compares: Admixed American, 0.0017%; no homozygotes.

Submission:

PreventionGenetics, part of Exact Sciences
Classification: Likely benign for SEMA3C-related condition. Last evaluated: 2023-04-28. Review status: no assertion criteria provided. Collection method: clinical testing. Allele origin: germline.
Comment: This variant is classified as likely benign based on ACMG/AMP sequence variant interpretation guidelines (Richards et al. 2015 PMID: 25741868, with internal and published modifications).

NM_006379.5(SEMA3C):c.-38-4A>T

Gene: SEMA3C (semaphorin 3C; minus strand). Cytogenetic location: 7q21.11.
Variant type: single nucleotide variant.
Coding change: c.-38-4A>T on transcript NM_006379.5 (MANE Select); 4 bases into the intron before 38 bases upstream of the start codon, A replaced by T.
Molecular consequence: intron variant.
Genome position (GRCh38, 1-based): chr7:80,916,823, T>A on the plus strand (A>T on the coding strand, the complement: SEMA3C is on the minus strand). VCF-style: chr7-80916823-T-A. GRCh37 (hg19) VCF-style: chr7-80546139-T-A.
Other names: c.17-4A>T (NM_001350120.2); c.-300-4A>T (NM_001350121.2).
Identifiers: ClinVar variation 3356173 (VCV003356173.1).